The following is an entry in ClinVar:

NM_006015.6(ARID1A):c.2961G>T (p.Gly987=)

Gene: ARID1A (AT-rich interaction domain 1A; plus strand). Cytogenetic location: 1p36.11.
Variant type: single nucleotide variant.
Coding change: c.2961G>T on transcript NM_006015.6 (MANE Select); coding-DNA position 2961, G replaced by T.
Protein change: p.Gly987=; no amino-acid change (glycine 987 retained).
Molecular consequence: synonymous variant.
Genome position (GRCh38, 1-based): chr1:26,766,539, G>T. VCF-style: chr1-26766539-G-T. GRCh37 (hg19) VCF-style: chr1-27093030-G-T.
Other names: c.2961G>T, p.Gly987= (NM_139135.4).
Identifiers: ClinVar variation 3356884 (VCV003356884.3).

ClinVar aggregate classification (germline): Likely benign. Review status: criteria provided, single submitter (1 of 4 stars). 2 submissions from 2 submitters: Likely benign (1). 1 of the submissions does not count toward it. Last evaluated 2025-03-17.

Conditions:
ARID1A-related disorder. Also called: ARID1A-related condition.

gnomAD v4.1: 6 of 1,613,062 alleles (0.00037%); highest among the groups gnomAD compares: Non-Finnish European, 0.00051%; no homozygotes.

Submissions (2):

Labcorp Genetics (formerly Invitae), Labcorp
Classification: Likely benign. Last evaluated: 2025-03-17. Review status: criteria provided, single submitter. Criteria: Invitae Variant Classification Sherloc (09022015). Collection method: clinical testing. Allele origin: germline.

PreventionGenetics, part of Exact Sciences
Classification: Likely benign for ARID1A-related condition. Last evaluated: 2024-07-19. Review status: no assertion criteria provided. Collection method: clinical testing. Allele origin: germline. Not counted in ClinVar's aggregate classification.
Comment: This variant is classified as likely benign based on ACMG/AMP sequence variant interpretation guidelines (Richards et al. 2015 PMID: 25741868, with internal and published modifications).